The following is an entry in ClinVar:

NM_001374828.1(ARID1B):c.3210G>A (p.Ala1070=)

Gene: ARID1B (AT-rich interaction domain 1B; plus strand). Cytogenetic location: 6q25.3.
Variant type: single nucleotide variant.
Coding change: c.3210G>A on transcript NM_001374828.1 (MANE Select); coding-DNA position 3210, G replaced by A.
Protein change: p.Ala1070=; no amino-acid change (alanine 1070 retained).
Molecular consequence: synonymous variant.
Genome position (GRCh38, 1-based): chr6:157,167,160, G>A. VCF-style: chr6-157167160-G-A. GRCh37 (hg19) VCF-style: chr6-157488294-G-A.
Other names: c.2961G>A, p.Ala987= (NM_001346813.1); c.711G>A, p.Ala237= (NM_001363725.2); c.3249G>A, p.Ala1083= (NM_001371656.1, NM_001374820.1); c.3210G>A, p.Ala1070= (NM_017519.3); c.3000G>A, p.Ala1000= (NM_020732.3); c.2787G>A, p.Ala929= (NM_175863.2).
Identifiers: ClinVar variation 2142256 (VCV002142256.27), dbSNP rs560450902, ClinGen allele CA4067230.

ClinVar aggregate classification (germline): Likely benign. Review status: criteria provided, multiple submitters, no conflicts (2 of 4 stars). 3 submissions from 3 submitters: Likely benign (3). Last evaluated 2025-11-24.

Allele frequency attached by ClinVar (database versions not stated): TOPMed 0.00002; gnomAD exomes 0.00003; gnomAD 0.00005; ExAC 0.00007.
gnomAD v4.1: 56 of 1,608,504 alleles (0.0035%); highest among the groups gnomAD compares: Middle Eastern, 0.049%; no homozygotes.

Submissions (3):

Labcorp Genetics (formerly Invitae), Labcorp
Classification: Likely benign. Last evaluated: 2025-11-24. Review status: criteria provided, single submitter. Criteria: Invitae Variant Classification Sherloc (09022015). Collection method: clinical testing. Allele origin: germline.

Blueprint Genetics
Classification: Likely benign. Last evaluated: 2024-09-14. Review status: criteria provided, single submitter. Criteria: ACMG Guidelines, 2015. Collection method: clinical testing. Allele origin: germline.

CeGaT Center for Human Genetics Tuebingen
Classification: Likely benign. Last evaluated: 2024-02-01. Review status: criteria provided, single submitter. Criteria: CeGaT Center For Human Genetics Tuebingen Variant Classification Criteria Version 2. Collection method: clinical testing. Allele origin: germline. Affected: yes. Observed: 1 variant allele.
Comment: ARID1B: BP4, BP7